The following is an entry in ClinVar:

NM_000138.5(FBN1):c.5732C>T (p.Ser1911Phe)

Gene: FBN1 (fibrillin 1; minus strand). Cytogenetic location: 15q21.1.
Variant type: single nucleotide variant.
Coding change: c.5732C>T on transcript NM_000138.5 (MANE Select); coding-DNA position 5732, C replaced by T.
Protein change: p.Ser1911Phe; replaces serine 1911 with phenylalanine.
Molecular consequence: missense variant.
Genome position (GRCh38, 1-based): chr15:48,446,762, G>A on the plus strand (C>T on the coding strand, the complement: FBN1 is on the minus strand). VCF-style: chr15-48446762-G-A. GRCh37 (hg19) VCF-style: chr15-48738959-G-A.
Other names: c.5732C>T, p.Ser1911Phe (NM_001406716.1); short protein forms S1911F.
Identifiers: ClinVar variation 3386779 (VCV003386779.1).

ClinVar aggregate classification (germline): Uncertain significance (1 of 4 stars; one submission).

Conditions:
Marfan syndrome (MFS). Also called: MARFAN SYNDROME, TYPE I; Marfan syndrome type 1; Marfan's syndrome; FBN1-Related Marfan Syndrome; Marfan syndrome, classic. Identifiers: Orphanet 284963, Orphanet 558, MedGen C0024796, MONDO:0007947, OMIM 154700.

Submission:

All of Us Research Program, National Institutes of Health
Classification: Uncertain significance for Marfan syndrome. Last evaluated: 2024-06-09. Review status: criteria provided, single submitter. Criteria: ACMG Guidelines, 2015. Collection method: clinical testing. Allele origin: germline. Inheritance: Autosomal dominant inheritance. Observed: 1 variant allele, 1 heterozygote.
Comment: This missense variant replaces serine with phenylalanine at codon 1911 of the FBN1 protein. Computational prediction suggests that this variant may have deleterious impact on protein structure and function (internally defined REVEL score threshold >= 0.7, PMID: 27666373). To our knowledge, functional studies have not been reported for this variant. This variant has not been reported in individuals affected with FBN1-related disorders in the literature. This variant has not been identified in the general population by the Genome Aggregation Database (gnomAD). The available evidence is insufficient to determine the role of this variant in disease conclusively. Therefore, this variant is classified as a Variant of Uncertain Significance.

This study involves interpretation of variants in research participants for the purpose of population health screening. Participant phenotype was not available at the time of variant classification. Additional details can be found in publication PMID: 35346344, PMCID: PMC8962531